The following is an entry in ClinVar:

ClinVar aggregate classification (germline): Uncertain significance (1 of 4 stars; one submission).

Conditions:
Tuberous sclerosis 2 (TSC2). Identifiers: Orphanet 805, MedGen C1860707, MONDO:0013199, OMIM 613254.

Submission:

Labcorp Genetics (formerly Invitae), Labcorp
Classification: Uncertain significance for Tuberous sclerosis 2. Last evaluated: 2021-04-27. Review status: criteria provided, single submitter. Criteria: Invitae Variant Classification Sherloc (09022015). Collection method: clinical testing. Allele origin: germline.
Comment: In summary, the available evidence is currently insufficient to determine the role of this variant in disease. Therefore, it has been classified as a Variant of Uncertain Significance. Advanced modeling of protein sequence and biophysical properties (such as structural, functional, and spatial information, amino acid conservation, physicochemical variation, residue mobility, and thermodynamic stability) performed at Invitae indicates that this missense variant is not expected to disrupt TSC2 protein function. This variant has not been reported in the literature in individuals with TSC2-related conditions. This variant is not present in population databases (ExAC no frequency). This sequence change replaces methionine with leucine at codon 1131 of the TSC2 protein (p.Met1131Leu). The methionine residue is moderately conserved and there is a small physicochemical difference between methionine and leucine.

NM_000548.5(TSC2):c.3391A>T (p.Met1131Leu)

Gene: TSC2 (TSC complex subunit 2; plus strand). Cytogenetic location: 16p13.3.
Variant type: single nucleotide variant.
Coding change: c.3391A>T on transcript NM_000548.5 (MANE Select); coding-DNA position 3391, A replaced by T.
Protein change: p.Met1131Leu; replaces methionine 1131 with leucine.
Molecular consequence: missense variant.
Genome position (GRCh38, 1-based): chr16:2,079,663, A>T. VCF-style: chr16-2079663-A-T. GRCh37 (hg19) VCF-style: chr16-2129664-A-T.
Other names: c.3259A>T, p.Met1087Leu (NM_001077183.3, NM_001370404.1); c.3391A>T, p.Met1131Leu (NM_001114382.3); c.3151A>T, p.Met1051Leu (NM_001318827.2); c.3115A>T, p.Met1039Leu (NM_001318829.2); c.2659A>T, p.Met887Leu (NM_001318831.2); c.3292A>T, p.Met1098Leu (NM_001318832.2); c.3262A>T, p.Met1088Leu (NM_001363528.2, NM_001370405.1, NM_021055.3); short protein forms M1039L, M1098L, M1051L, M887L, M1087L, M1088L, M1131L.
Identifiers: ClinVar variation 1407097 (VCV001407097.8), dbSNP rs775639244, ClinGen allele CA394286801.